The following is an entry in ClinVar:

NM_015259.6(ICOSLG):c.650T>C (p.Ile217Thr)

Gene: ICOSLG (inducible T cell costimulator ligand; minus strand). Cytogenetic location: 21q22.3.
Variant type: single nucleotide variant.
Coding change: c.650T>C on transcript NM_015259.6 (MANE Select); coding-DNA position 650, T replaced by C.
Protein change: p.Ile217Thr; replaces isoleucine 217 with threonine.
Molecular consequence: missense variant.
Genome position (GRCh38, 1-based): chr21:44,235,319, A>G on the plus strand (T>C on the coding strand, the complement: ICOSLG is on the minus strand). VCF-style: chr21-44235319-A-G. GRCh37 (hg19) VCF-style: chr21-45655202-A-G.
Other names: c.650T>C, p.Ile217Thr (NM_001283050.2); c.299T>C, p.Ile100Thr (NM_001283051.2); c.395T>C, p.Ile132Thr (NM_001283052.2); c.569T>C, p.Ile190Thr (NM_001365759.2); short protein forms I100T, I190T, I132T, I217T.
Identifiers: ClinVar variation 1443379 (VCV001443379.8), dbSNP rs2146342078, ClinGen allele CA410614628.
Genomic context (GRCh38, chr21:44,235,319, plus strand): 5'-GCCGGGACCTTACCTGTCTGGCTGCCGACAGTCAGGTTCTGCTGCAGAAGCACGTTCTCT[A>G]TGCAGCAGCCAATGTTCACGCTGGGGGTCCGTGCGATCCTCAGCACGCTGACCACGTCAT-3'
Protein context (NP_056074.1, residues 207-227): RTPSVNIGCC[Ile217Thr]ENVLLQQNLT

ClinVar aggregate classification (germline): Uncertain significance (1 of 4 stars; one submission).

Submission:

Labcorp Genetics (formerly Invitae), Labcorp
Classification: Uncertain significance. Last evaluated: 2021-06-06. Review status: criteria provided, single submitter. Criteria: Invitae Variant Classification Sherloc (09022015). Collection method: clinical testing. Allele origin: germline.
Comment: This sequence change replaces isoleucine with threonine at codon 217 of the ICOSLG protein (p.Ile217Thr). The isoleucine residue is highly conserved and there is a moderate physicochemical difference between isoleucine and threonine. This variant is not present in population databases (ExAC no frequency). This variant has not been reported in the literature in individuals with ICOSLG-related conditions. Algorithms developed to predict the effect of missense changes on protein structure and function (SIFT, PolyPhen-2, Align-GVGD) all suggest that this variant is likely to be disruptive, but these predictions have not been confirmed by published functional studies and their clinical significance is uncertain. Algorithms developed to predict the effect of sequence changes on RNA splicing suggest that this variant may create or strengthen a splice site, but this prediction has not been confirmed by published transcriptional studies. In summary, the available evidence is currently insufficient to determine the role of this variant in disease. Therefore, it has been classified as a Variant of Uncertain Significance.